The following is an entry in ClinVar:

ClinVar aggregate classification (germline): Conflicting classifications of pathogenicity. Review status: criteria provided, conflicting classifications (1 of 4 stars). 3 submissions from 3 submitters: Likely pathogenic (2); Uncertain significance (1). Last evaluated 2024-10-05.

Conditions:
Hereditary cancer-predisposing syndrome. Also called: Hereditary neoplastic syndrome; Neoplastic Syndromes, Hereditary; Tumor predisposition; Hereditary Cancer Syndrome. Identifiers: Orphanet 140162, MedGen C0027672, MeSH D009386, MONDO:0015356.

Submissions (3):

Ambry Genetics
Classification: Likely pathogenic for Hereditary cancer-predisposing syndrome. Last evaluated: 2024-10-05. Review status: criteria provided, single submitter. Criteria: Ambry Variant Classification Scheme 2023. Collection method: clinical testing. Allele origin: germline.
Comment: The p.E313K variant (also known as c.937G>A), located in coding exon 7 of the FH gene, results from a G to A substitution at nucleotide position 937. The glutamic acid at codon 313 is replaced by lysine, an amino acid with similar properties. This variant has been detected in individuals with features consistent with hereditary leiomyomatosis and renal cell cancer, with at least one patient's affected tissue demonstrating FH deficiency (Forde C et al. Eur Urol Oncol, 2020 Dec;3:764-772; Ambry internal data). This variant is considered to be rare based on population cohorts in the Genome Aggregation Database (gnomAD). This amino acid position is highly conserved in available vertebrate species. In addition, this alteration is predicted to be deleterious by in silico analysis. Based on the majority of available evidence to date, this variant is likely to be pathogenic.

Labcorp Genetics (formerly Invitae), Labcorp
Classification: Uncertain significance. Last evaluated: 2022-07-19. Review status: criteria provided, single submitter. Criteria: Invitae Variant Classification Sherloc (09022015). Collection method: clinical testing. Allele origin: germline.
Comment: In summary, the available evidence is currently insufficient to determine the role of this variant in disease. Therefore, it has been classified as a Variant of Uncertain Significance. Advanced modeling of protein sequence and biophysical properties (such as structural, functional, and spatial information, amino acid conservation, physicochemical variation, residue mobility, and thermodynamic stability) performed at Invitae indicates that this missense variant is expected to disrupt FH protein function. ClinVar contains an entry for this variant (Variation ID: 214414). This missense change has been observed in individual(s) with clinical features of hereditary leiomyomatosis and renal cell cancer (PMID: 31831373). This variant is not present in population databases (gnomAD no frequency). This sequence change replaces glutamic acid, which is acidic and polar, with lysine, which is basic and polar, at codon 313 of the FH protein (p.Glu313Lys).

GeneDx
Classification: Likely pathogenic. Last evaluated: 2017-05-18. Review status: criteria provided, single submitter. Criteria: GeneDx Variant Classification (06012015). Collection method: clinical testing. Allele origin: germline. Affected: yes.
Comment: TThe E313K variant in the FH gene has not been published as a pathogenic variant, nor has it been reported as a benign polymorphism to our knowledge. This variant is not observed in large population cohorts (Lek et al., 2016; 1000 Genomes Consortium et al., 2015; Exome Variant Server). The E313K variant is a non-conservative amino acid substitution, which is likely to impact secondary protein structure as these residues differ in polarity, charge, size and/or other properties. This substitution occurs at a position that is conserved across species, and in silico analysis predicts this variant is probably damaging to the protein structure/function. Missense variants in nearby residues (F312C, F312S, L315P, H318Y) have been reported in association with FH-related disorders, supporting the functional importance of this region of the protein (Coughlin et al., 1998; Toro et al., 2003; Gardie et al., 2011). Therefore, E313K is a strong candidate for a pathogenic variant. However the possibility that it is a rare benign variant cannot be excluded.

Literature cited by the submitters: PubMed 31831373 (cited by Ambry Genetics and Labcorp Genetics (formerly Invitae), Labcorp).

NM_000143.4(FH):c.937G>A (p.Glu313Lys)

Gene: FH (fumarate hydratase; minus strand). Cytogenetic location: 1q43.
Variant type: single nucleotide variant.
Coding change: c.937G>A on transcript NM_000143.4 (MANE Select); coding-DNA position 937, G replaced by A.
Protein change: p.Glu313Lys; replaces glutamic acid 313 with lysine.
Molecular consequence: missense variant.
Genome position (GRCh38, 1-based): chr1:241,504,213, C>T on the plus strand (G>A on the coding strand, the complement: FH is on the minus strand). VCF-style: chr1-241504213-C-T. GRCh37 (hg19) VCF-style: chr1-241667513-C-T.
Other names: p.E313K:GAA>AAA; short protein forms E313K.
Identifiers: ClinVar variation 214414 (VCV000214414.11), dbSNP rs863224001, ClinGen allele CA324175.